The following is an entry in ClinVar:

ClinVar aggregate classification (germline): Uncertain significance (1 of 4 stars; one submission).

Conditions:
Ehlers-Danlos syndrome, classic type, 1 (EDSCL1). Also called: EDS I; Ehlers-Danlos syndrome, type 1; EHLERS-DANLOS SYNDROME, GRAVIS TYPE; EHLERS-DANLOS SYNDROME, SEVERE CLASSIC TYPE; Ehlers-Danlos Syndrome, Classic Type, COL5A1-Related. Identifiers: MedGen C0268335, MONDO:0019567, OMIM 130000.

Submission:

Labcorp Genetics (formerly Invitae), Labcorp
Classification: Uncertain significance for Ehlers-Danlos syndrome, classic type, 1. Last evaluated: 2022-08-31. Review status: criteria provided, single submitter. Criteria: Invitae Variant Classification Sherloc (09022015). Collection method: clinical testing. Allele origin: germline.
Comment: In summary, the available evidence is currently insufficient to determine the role of this variant in disease. Therefore, it has been classified as a Variant of Uncertain Significance. Algorithms developed to predict the effect of missense changes on protein structure and function are either unavailable or do not agree on the potential impact of this missense change (SIFT: "Deleterious"; PolyPhen-2: "Probably Damaging"; Align-GVGD: "Class C0"). This variant has not been reported in the literature in individuals affected with COL5A2-related conditions. This variant is not present in population databases (gnomAD no frequency). This sequence change replaces glycine, which is neutral and non-polar, with valine, which is neutral and non-polar, at codon 660 of the COL5A2 protein (p.Gly660Val).

NM_000393.5(COL5A2):c.1979G>T (p.Gly660Val)

Gene: COL5A2 (collagen type V alpha 2 chain; minus strand). Cytogenetic location: 2q32.2.
Variant type: single nucleotide variant.
Coding change: c.1979G>T on transcript NM_000393.5 (MANE Select); coding-DNA position 1979, G replaced by T.
Protein change: p.Gly660Val; replaces glycine 660 with valine.
Molecular consequence: missense variant.
Genome position (GRCh38, 1-based): chr2:189,061,614, C>A on the plus strand (G>T on the coding strand, the complement: COL5A2 is on the minus strand). VCF-style: chr2-189061614-C-A. GRCh37 (hg19) VCF-style: chr2-189926340-C-A.
Other names: short protein forms G660V.
Identifiers: ClinVar variation 1718542 (VCV001718542.6), dbSNP rs2469290902, ClinGen allele CA349878159.